The following is an entry in ClinVar:

ClinVar aggregate classification (germline): Pathogenic (1 of 4 stars; one submission).

Conditions:
Periodontitis, aggressive. Identifiers: MedGen C0031106, MONDO:0980757.
Papillon-Lefèvre syndrome (PALS). Also called: KERATOSIS PALMOPLANTARIS WITH PERIODONTOPATHIA; Papillon-Lefevre Disease. Identifiers: Orphanet 678, MedGen C0030360, MONDO:0009490, OMIM 245000.
Haim-Munk syndrome (HMS). Also called: COCHIN JEWISH DISORDER; KERATOSIS PALMOPLANTARIS WITH PERIODONTOPATHIA AND ONYCHOGRYPOSIS. Identifiers: Orphanet 2342, MedGen C1855627, MONDO:0009491, OMIM 245010.

Allele frequency attached by ClinVar (database versions not stated): gnomAD exomes below 0.00001.

Submission:

Labcorp Genetics (formerly Invitae), Labcorp
Classification: Pathogenic for Haim-Munk syndrome; Periodontitis, aggressive; Papillon-Lefèvre syndrome. Last evaluated: 2023-12-03. Review status: criteria provided, single submitter. Criteria: Invitae Variant Classification Sherloc (09022015). Collection method: clinical testing. Allele origin: germline.
Comment: This sequence change creates a premature translational stop signal (p.Ser146Leufs*30) in the CTSC gene. It is expected to result in an absent or disrupted protein product. Loss-of-function variants in CTSC are known to be pathogenic (PMID: 10662808, 11106356, 11886537). This variant is not present in population databases (gnomAD no frequency). This premature translational stop signal has been observed in individual(s) with Papillon–Lefe`vre syndrome (PMID: 18294227). For these reasons, this variant has been classified as Pathogenic.

Literature cited by the submitters: PubMed 10662808; PubMed 11106356; PubMed 11886537; PubMed 18294227.

NM_001814.6(CTSC):c.436del (p.Ser146fs)

Gene: CTSC (cathepsin C; minus strand). Cytogenetic location: 11q14.2.
Variant type: Deletion.
Coding change: c.436del on transcript NM_001814.6 (MANE Select); coding-DNA position 436, one base deleted (T; older notation c.436delT).
Protein change: p.Ser146fs; shifts the reading frame from serine 146.
Molecular consequence: frameshift variant.
Genome position (GRCh38, 1-based): chr11:88,312,437, A deleted on the plus strand (T on the coding strand, the reverse complement: CTSC is on the minus strand). VCF-style (leftmost placement, unchanged base first): chr11-88312436-GA-G. GRCh37 (hg19) VCF-style: chr11-88045604-GA-G.
Other names: short protein forms S146fs.
Identifiers: ClinVar variation 2925491 (VCV002925491.3), dbSNP rs2496561928, ClinGen allele CA2574945091.